The following is an entry in ClinVar:

NM_006005.3(WFS1):c.1486C>A (p.Leu496Met)

Gene: WFS1 (wolframin ER transmembrane glycoprotein; plus strand). Cytogenetic location: 4p16.1.
Variant type: single nucleotide variant.
Coding change: c.1486C>A on transcript NM_006005.3 (MANE Select); coding-DNA position 1486, C replaced by A.
Protein change: p.Leu496Met; replaces leucine 496 with methionine.
Molecular consequence: missense variant.
Genome position (GRCh38, 1-based): chr4:6,301,281, C>A. VCF-style: chr4-6301281-C-A. GRCh37 (hg19) VCF-style: chr4-6303008-C-A.
Other names: c.1486C>A, p.Leu496Met (NM_001145853.1); short protein forms L496M.
Identifiers: ClinVar variation 3665693 (VCV003665693.3).

ClinVar aggregate classification (germline): Uncertain significance. Review status: criteria provided, multiple submitters, no conflicts (2 of 4 stars). 2 submissions from 2 submitters: Uncertain significance (2). Last evaluated 2024-08-19.

gnomAD v4.1: 9 of 1,611,374 alleles (0.00056%); highest among the groups gnomAD compares: Non-Finnish European, 0.00076%; no homozygotes.

Submissions (2):

Blueprint Genetics
Classification: Uncertain significance. Last evaluated: 2024-08-19. Review status: criteria provided, single submitter. Criteria: ACMG Guidelines, 2015. Collection method: clinical testing. Allele origin: germline.

Labcorp Genetics (formerly Invitae), Labcorp
Classification: Uncertain significance. Last evaluated: 2024-04-03. Review status: criteria provided, single submitter. Criteria: Invitae Variant Classification Sherloc (09022015). Collection method: clinical testing. Allele origin: germline.
Comment: This sequence change replaces leucine, which is neutral and non-polar, with methionine, which is neutral and non-polar, at codon 496 of the WFS1 protein (p.Leu496Met). This variant is present in population databases (rs765197368, gnomAD 0.002%). This variant has not been reported in the literature in individuals affected with WFS1-related conditions. Advanced modeling of protein sequence and biophysical properties (such as structural, functional, and spatial information, amino acid conservation, physicochemical variation, residue mobility, and thermodynamic stability) performed at Invitae indicates that this missense variant is not expected to disrupt WFS1 protein function with a negative predictive value of 95%. In summary, the available evidence is currently insufficient to determine the role of this variant in disease. Therefore, it has been classified as a Variant of Uncertain Significance.